The following is an entry in ClinVar:

NM_001452.2(FOXF2):c.375G>A (p.Glu125=)

Genes: FOXF2 (forkhead box F2; plus strand), FOXF2-DT (FOXF2 divergent transcript; minus strand), MIR6720 (microRNA 6720; minus strand). Cytogenetic location: 6p25.3.
Variant type: single nucleotide variant.
Coding change: c.375G>A on transcript NM_001452.2 (MANE Select); coding-DNA position 375, G replaced by A.
Protein change: p.Glu125=; no amino-acid change (glutamic acid 125 retained).
Molecular consequence: synonymous variant. On other transcripts: non-coding transcript variant (1).
Genome position (GRCh38, 1-based): chr6:1,390,322, G>A. VCF-style: chr6-1390322-G-A. GRCh37 (hg19) VCF-style: chr6-1390557-G-A.
Identifiers: ClinVar variation 3031696 (VCV003031696.2), dbSNP rs200419233, ClinGen allele CA3614505.

ClinVar aggregate classification (germline): Likely benign (0 of 4 stars; one submission).

Conditions:
FOXF2-related disorder. Also called: FOXF2-related condition.

Allele frequency attached by ClinVar (database versions not stated): gnomAD 0.00002; ExAC 0.00003; TOPMed 0.00004; 1000 Genomes Project 30x 0.00016; 1000 Genomes Project 0.00020.
gnomAD v4.1: 28 of 1,613,374 alleles (0.0017%); highest among the groups gnomAD compares: East Asian, 0.0067%; no homozygotes.

Submission:

PreventionGenetics, part of Exact Sciences
Classification: Likely benign for FOXF2-related condition. Last evaluated: 2020-09-01. Review status: no assertion criteria provided. Collection method: clinical testing. Allele origin: germline.
Comment: This variant is classified as likely benign based on ACMG/AMP sequence variant interpretation guidelines (Richards et al. 2015 PMID: 25741868, with internal and published modifications).